The following is an entry in ClinVar:

NM_001918.5(DBT):c.902G>A (p.Arg301His)

Gene: DBT (dihydrolipoamide branched chain transacylase E2; minus strand). Cytogenetic location: 1p21.2.
Variant type: single nucleotide variant.
Coding change: c.902G>A on transcript NM_001918.5 (MANE Select); coding-DNA position 902, G replaced by A.
Protein change: p.Arg301His; replaces arginine 301 with histidine.
Molecular consequence: missense variant.
Genome position (GRCh38, 1-based): chr1:100,214,854, C>T on the plus strand (G>A on the coding strand, the complement: DBT is on the minus strand). VCF-style: chr1-100214854-C-T. GRCh37 (hg19) VCF-style: chr1-100680410-C-T.
Other names: short protein forms R301H.
Identifiers: ClinVar variation 437447 (VCV000437447.8), dbSNP rs770981889, ClinGen allele CA969643.

ClinVar aggregate classification (germline): Conflicting classifications of pathogenicity. Review status: criteria provided, conflicting classifications (1 of 4 stars). 4 submissions from 4 submitters: Pathogenic (2); Uncertain significance (2). Last evaluated 2024-02-01.

Conditions:
Maple syrup urine disease type 2 (MSUD2). Also called: Maple syrup urine disease, type II. Identifiers: MedGen C1855371, MONDO:0023693, OMIM 620699.
Maple syrup urine disease (MSUD). Identifiers: Orphanet 511, MedGen C0024776, MeSH D008375, MONDO:0009563. Disease mechanism: loss of function.

Allele frequency attached by ClinVar (database versions not stated): gnomAD 0.00001; gnomAD exomes 0.00001; TOPMed 0.00001; ExAC 0.00002.
gnomAD v4.1: 25 of 1,613,926 alleles (0.0015%); highest among the groups gnomAD compares: South Asian, 0.0055%; no homozygotes.

Submissions (4):

Laboratory of Medical Genetics, National & Kapodistrian University of Athens
Classification: Pathogenic for Maple syrup urine disease type 2. Last evaluated: 2024-02-01. Review status: criteria provided, single submitter. Criteria: ACMG Guidelines, 2015. Collection method: curation. Allele origin: germline. Affected: no.

Women's Health and Genetics/Laboratory Corporation of America, LabCorp
Classification: Uncertain significance. Last evaluated: 2023-12-15. Review status: criteria provided, single submitter. Criteria: LabCorp Variant Classification Summary - May 2015. Collection method: clinical testing. Allele origin: germline.
Comment: Variant summary: DBT c.902G>A (p.Arg301His) results in a non-conservative amino acid change located in the 2-oxoacid dehydrogenase acyltransferase, catalytic domain (IPR001078) of the encoded protein sequence. Four of five in-silico tools predict a damaging effect of the variant on protein function. The variant allele was found at a frequency of 8e-06 in 251460 control chromosomes. The available data on variant occurrences in the general population are insufficient to allow any conclusion about variant significance. To our knowledge, no occurrence of c.902G>A in individuals affected with Maple Syrup Urine Disease and no experimental evidence demonstrating its impact on protein function have been reported. Two submitters have cited clinical-significance assessments for this variant to ClinVar after 2014. One submitter classified the variant as pathogenic, and one submitter classified the variant as uncertain significance. Based on the evidence outlined above, the variant was classified as uncertain significance.

Labcorp Genetics (formerly Invitae), Labcorp
Classification: Uncertain significance for Maple syrup urine disease. Last evaluated: 2021-09-01. Review status: criteria provided, single submitter. Criteria: Invitae Variant Classification Sherloc (09022015). Collection method: clinical testing. Allele origin: germline.
Comment: This sequence change replaces arginine with histidine at codon 301 of the DBT protein (p.Arg301His). The arginine residue is highly conserved and there is a small physicochemical difference between arginine and histidine. This variant is present in population databases (rs770981889, ExAC 0.006%). This variant has not been reported in the literature in individuals affected with DBT-related conditions. ClinVar contains an entry for this variant (Variation ID: 437447). Algorithms developed to predict the effect of missense changes on protein structure and function are either unavailable or do not agree on the potential impact of this missense change (SIFT: "Deleterious"; PolyPhen-2: "Benign"; Align-GVGD: "Class C0"). This variant disrupts the p.Arg301 amino acid residue in DBT. Other variant(s) that disrupt this residue have been determined to be pathogenic (PMID: 20570198, 21098507, 27518768). This suggests that this residue is clinically significant, and that variants that disrupt this residue are likely to be disease-causing. In summary, the available evidence is currently insufficient to determine the role of this variant in disease. Therefore, it has been classified as a Variant of Uncertain Significance.

Genomic Research Center, Shahid Beheshti University of Medical Sciences
Classification: Pathogenic for Maple syrup urine disease. Last evaluated: 2017-06-07. Review status: criteria provided, single submitter. Criteria: ACMG Guidelines, 2015. Collection method: clinical testing. Allele origin: inherited. Affected: yes. Observed: 1 variant allele.

Literature cited by the submitters: PubMed 20570198 (cited by Labcorp Genetics (formerly Invitae), Labcorp); PubMed 21098507 (cited by Labcorp Genetics (formerly Invitae), Labcorp); PubMed 27518768 (cited by Labcorp Genetics (formerly Invitae), Labcorp).